The following is an entry in ClinVar:

NM_033409.4(SLC52A3):c.1327G>A (p.Gly443Arg)

Gene: SLC52A3 (solute carrier family 52 member 3; minus strand). Cytogenetic location: 20p13.
Variant type: single nucleotide variant.
Coding change: c.1327G>A on transcript NM_033409.4 (MANE Select); coding-DNA position 1327, G replaced by A.
Protein change: p.Gly443Arg; replaces glycine 443 with arginine.
Molecular consequence: missense variant.
Genome position (GRCh38, 1-based): chr20:761,109, C>T on the plus strand (G>A on the coding strand, the complement: SLC52A3 is on the minus strand). VCF-style: chr20-761109-C-T. GRCh37 (hg19) VCF-style: chr20-741753-C-T.
Other names: c.1327G>A, p.Gly443Arg (NM_001370085.1, NM_001370086.1); short protein forms G443R.
Identifiers: ClinVar variation 3392764 (VCV003392764.1).

ClinVar aggregate classification (germline): Uncertain significance (1 of 4 stars; one submission).

gnomAD v4.1: 1 of 1,604,018 alleles (0.000062%); highest among the groups gnomAD compares: Non-Finnish European, 0.000085%; no homozygotes.

Submission:

GeneDx
Classification: Uncertain significance. Last evaluated: 2024-06-21. Review status: criteria provided, single submitter. Criteria: GeneDx Variant Classification Process June 2021. Collection method: clinical testing. Allele origin: germline. Affected: yes.
Comment: Not observed at significant frequency in large population cohorts (gnomAD); In silico analysis supports that this missense variant has a deleterious effect on protein structure/function; Has not been previously published as pathogenic or benign to our knowledge